The following is an entry in ClinVar:

NM_152641.4(ARID2):c.772+5G>C

Gene: ARID2 (AT-rich interaction domain 2; plus strand). Cytogenetic location: 12q12.
Variant type: single nucleotide variant.
Coding change: c.772+5G>C on transcript NM_152641.4 (MANE Select); 5 bases into the intron after coding-DNA position 772, G replaced by C.
Molecular consequence: intron variant.
Genome position (GRCh38, 1-based): chr12:45,836,660, G>C. VCF-style: chr12-45836660-G-C. GRCh37 (hg19) VCF-style: chr12-46230443-G-C.
Other names: c.772+5G>C (NM_001347839.2).
Identifiers: ClinVar variation 3361979 (VCV003361979.1).

ClinVar aggregate classification (germline): Uncertain significance (1 of 4 stars; one submission).

Submission:

GeneDx
Classification: Uncertain significance. Last evaluated: 2023-05-25. Review status: criteria provided, single submitter. Criteria: GeneDx Variant Classification Process June 2021. Collection method: clinical testing. Allele origin: germline. Affected: yes.
Comment: Not observed at significant frequency in large population cohorts (gnomAD); In silico analysis supports a deleterious effect on splicing; Has not been previously published as pathogenic or benign to our knowledge